The following is an entry in ClinVar:

ClinVar aggregate classification (germline): Conflicting classifications of pathogenicity. Review status: criteria provided, conflicting classifications (1 of 4 stars). 2 submissions from 2 submitters: Uncertain significance (1); Likely benign (1). Last evaluated 2023-12-27.

Conditions:
Familial meningioma. Also called: Meningioma, familial, susceptibility to. Identifiers: Orphanet 263662, MedGen C3551915, MONDO:0011789, OMIM 607174.
Hereditary cancer-predisposing syndrome. Also called: Hereditary Cancer Syndrome; Tumor predisposition; Hereditary neoplastic syndrome; Neoplastic Syndromes, Hereditary. Identifiers: Orphanet 140162, MedGen C0027672, MeSH D009386, MONDO:0015356.

Allele frequency attached by ClinVar (database versions not stated): gnomAD exomes below 0.00001.

Submissions (2):

Ambry Genetics
Classification: Likely benign for Hereditary cancer-predisposing syndrome. Last evaluated: 2023-12-27. Review status: criteria provided, single submitter. Criteria: Ambry Variant Classification Scheme 2023. Collection method: clinical testing. Allele origin: germline.

Labcorp Genetics (formerly Invitae), Labcorp
Classification: Uncertain significance for Familial meningioma. Last evaluated: 2022-12-23. Review status: criteria provided, single submitter. Criteria: Invitae Variant Classification Sherloc (09022015). Collection method: clinical testing. Allele origin: germline.
Comment: This variant has not been reported in the literature in individuals affected with SMARCE1-related conditions. ClinVar contains an entry for this variant (Variation ID: 1418448). Algorithms developed to predict the effect of missense changes on protein structure and function are either unavailable or do not agree on the potential impact of this missense change (SIFT: "Tolerated"; PolyPhen-2: "Not Available"; Align-GVGD: "Class C0"). In summary, the available evidence is currently insufficient to determine the role of this variant in disease. Therefore, it has been classified as a Variant of Uncertain Significance. This variant is not present in population databases (gnomAD no frequency). This sequence change replaces proline, which is neutral and non-polar, with serine, which is neutral and polar, at codon 400 of the SMARCE1 protein (p.Pro400Ser).

NM_003079.5(SMARCE1):c.1198C>T (p.Pro400Ser)

Gene: SMARCE1 (SWI/SNF related BAF chromatin remodeling complex subunit E1; minus strand). Cytogenetic location: 17q21.2.
Variant type: single nucleotide variant.
Coding change: c.1198C>T on transcript NM_003079.5 (MANE Select); coding-DNA position 1198, C replaced by T.
Protein change: p.Pro400Ser; replaces proline 400 with serine.
Molecular consequence: missense variant.
Genome position (GRCh38, 1-based): chr17:40,628,823, G>A on the plus strand (C>T on the coding strand, the complement: SMARCE1 is on the minus strand). VCF-style: chr17-40628823-G-A. GRCh37 (hg19) VCF-style: chr17-38785075-G-A.
Other names: c.1198C>T (NM_003079.4); short protein forms P400S.
Identifiers: ClinVar variation 1418448 (VCV001418448.9), dbSNP rs2143980289, ClinGen allele CA399360867.